The following is an entry in ClinVar:

NM_002474.3(MYH11):c.873C>T (p.Ala291=)

Gene: MYH11 (myosin heavy chain 11; minus strand). Cytogenetic location: 16p13.11.
Variant type: single nucleotide variant.
Coding change: c.873C>T on transcript NM_002474.3 (MANE Select); coding-DNA position 873, C replaced by T.
Protein change: p.Ala291=; no amino-acid change (alanine 291 retained).
Molecular consequence: synonymous variant.
Genome position (GRCh38, 1-based): chr16:15,776,094, G>A on the plus strand (C>T on the coding strand, the complement: MYH11 is on the minus strand). VCF-style: chr16-15776094-G-A. GRCh37 (hg19) VCF-style: chr16-15869951-G-A.
Other names: c.894C>T, p.Ala298= (NM_001040113.2, NM_001040114.2); c.873C>T, p.Ala291= (NM_022844.3).
Identifiers: ClinVar variation 3072050 (VCV003072050.2), dbSNP rs2042214771, ClinGen allele CA493775807.

ClinVar aggregate classification (germline): Likely benign. Review status: criteria provided, multiple submitters, no conflicts (2 of 4 stars). 2 submissions from 2 submitters: Likely benign (2). Last evaluated 2025-03-12.

Conditions:
Aortic aneurysm, familial thoracic 4 (AAT4). Also called: AORTIC ANEURYSM/AORTIC DISSECTION AND PATENT DUCTUS ARTERIOSUS. Identifiers: MedGen C1851504, MONDO:0007568, OMIM 132900.
Familial thoracic aortic aneurysm and aortic dissection (TAAD). Also called: Thoracic aortic aneurysms and dissections. Identifiers: Orphanet 91387, MedGen C4707243, MONDO:0019625.

Allele frequency attached by ClinVar (database versions not stated): gnomAD exomes below 0.00001.
gnomAD v4.1: 2 of 1,612,836 alleles (0.00012%); highest among the groups gnomAD compares: Non-Finnish European, 0.00017%; no homozygotes.

Submissions (2):

Labcorp Genetics (formerly Invitae), Labcorp
Classification: Likely benign for Aortic aneurysm, familial thoracic 4. Last evaluated: 2025-03-12. Review status: criteria provided, single submitter. Criteria: Invitae Variant Classification Sherloc (09022015). Collection method: clinical testing. Allele origin: germline.

All of Us Research Program, National Institutes of Health
Classification: Likely benign for Familial thoracic aortic aneurysm and aortic dissection. Last evaluated: 2023-06-26. Review status: criteria provided, single submitter. Criteria: ACMG Guidelines, 2015. Collection method: clinical testing. Allele origin: germline. Inheritance: Autosomal dominant inheritance. Observed: 1 variant allele, 1 heterozygote.
Comment: This study involves interpretation of variants in research participants for the purpose of population health screening. Participant phenotype was not available at the time of variant classification. Additional details can be found in publication PMID: 35346344, PMCID: PMC8962531